The following is an entry in ClinVar:

ClinVar aggregate classification (germline): Uncertain significance (1 of 4 stars; one submission).

Allele frequency attached by ClinVar (database versions not stated): gnomAD exomes 0.00001 and 0.00002; ExAC 0.00002; gnomAD 0.00004; TOPMed 0.00005; ESP Exome Variant Server 0.00008; 1000 Genomes Project 30x 0.00016; 1000 Genomes Project 0.00020.
gnomAD v4.1: 10 of 1,612,442 alleles (0.00062%); highest among the groups gnomAD compares: African/African-American, 0.012%; no homozygotes.

Submission:

GeneDx
Classification: Uncertain significance. Last evaluated: 2014-04-22. Review status: criteria provided, single submitter. Criteria: GeneDx Variant Classification (06012015). Collection method: clinical testing. Allele origin: germline. Affected: yes.
Comment: Missense variants in the TTN gene are considered 'unclassified' if they are not previously reported in the literature and do not have >1% frequency in the population to be considered a polymorphism. Research indicates that truncating mutations in the TTN gene are expected to account for approximately 25% of familial and 18% of sporadic idiopathic DCM; however, truncating variants in the TTN gene have been reported in approximately 3% of reported control alleles. There has been little investigation into non-truncating variants. (Herman D et al. Truncations of titin causing dilated cardiomyopathy. N Eng J Med 366:619-628, 2012) The variant is found in CARDIOMYOPATHY panel(s).

NM_133379.5(TTN):c.13520T>C (p.Leu4507Pro)

Gene: TTN (titin; minus strand). Cytogenetic location: 2q31.2.
Variant type: single nucleotide variant.
Coding change: c.13520T>C on transcript NM_133379.5; coding-DNA position 13520, T replaced by C.
Protein change: p.Leu4507Pro; replaces leucine 4507 with proline.
Molecular consequence: missense variant. On other transcripts: intron variant (6).
Genome position (GRCh38, 1-based): chr2:178,748,880, A>G on the plus strand (T>C on the coding strand, the complement: TTN is on the minus strand). VCF-style: chr2-178748880-A-G. GRCh37 (hg19) VCF-style: chr2-179613607-A-G.
Other names: p.L4507P:CTA>CCA; c.10222+4244T>C (NM_003319.4); c.10798+4244T>C (NM_133437.4); c.10597+4244T>C (NM_133432.3); c.10360+4244T>C (NM_133378.4, NM_001256850.1); c.11311+4244T>C (NM_001267550.2); short protein forms L4507P.
Identifiers: ClinVar variation 203199 (VCV000203199.2), dbSNP rs369419838, ClinGen allele CA311656.